The following is an entry in ClinVar:

NM_002860.4(ALDH18A1):c.1198C>T (p.Arg400Cys)

Gene: ALDH18A1 (aldehyde dehydrogenase 18 family member A1; minus strand). Cytogenetic location: 10q24.1.
Variant type: single nucleotide variant.
Coding change: c.1198C>T on transcript NM_002860.4 (MANE Select); coding-DNA position 1198, C replaced by T.
Protein change: p.Arg400Cys; replaces arginine 400 with cysteine.
Molecular consequence: missense variant.
Genome position (GRCh38, 1-based): chr10:95,625,410, G>A on the plus strand (C>T on the coding strand, the complement: ALDH18A1 is on the minus strand). VCF-style: chr10-95625410-G-A. GRCh37 (hg19) VCF-style: chr10-97385167-G-A.
Other names: c.1192C>T, p.Arg398Cys (NM_001017423.2, NM_001323415.2); c.865C>T, p.Arg289Cys (NM_001323412.2, NM_001323416.2); c.1198C>T, p.Arg400Cys (NM_001323413.2, NM_001323414.2); c.1093C>T, p.Arg365Cys (NM_001323417.2); c.859C>T, p.Arg287Cys (NM_001323418.2); c.562C>T, p.Arg188Cys (NM_001323419.2); c.1198C>T (NM_002860.3); short protein forms R287C, R289C, R365C, R398C, R188C, R400C.
Identifiers: ClinVar variation 1514097 (VCV001514097.9), dbSNP rs907590719, ClinGen allele CA211793379.

ClinVar aggregate classification (germline): Uncertain significance. Review status: criteria provided, multiple submitters, no conflicts (2 of 4 stars). 3 submissions from 3 submitters: Uncertain significance (3). Last evaluated 2025-01-15.

Conditions:
Autosomal dominant spastic paraplegia type 9. Identifiers: MedGen C1832669, MONDO:0015091.
de Barsy syndrome. Also called: Cutis laxa-corneal clouding-oligophrenia syndrome. Identifiers: Orphanet 2962, MedGen C0268354, MONDO:0017569.
Cutis laxa, autosomal dominant 3 (ADCL3). Identifiers: Orphanet 90348, MedGen C4225268, MONDO:0014706, OMIM 616603.

Allele frequency attached by ClinVar (database versions not stated): gnomAD exomes 0.00001 and 0.00002; gnomAD 0.00002.

Submissions (3):

Labcorp Genetics (formerly Invitae), Labcorp
Classification: Uncertain significance for Autosomal dominant spastic paraplegia type 9; de Barsy syndrome; Cutis laxa, autosomal dominant 3. Last evaluated: 2025-01-15. Review status: criteria provided, single submitter. Criteria: Invitae Variant Classification Sherloc (09022015). Collection method: clinical testing. Allele origin: germline.
Comment: This sequence change replaces arginine, which is basic and polar, with cysteine, which is neutral and slightly polar, at codon 400 of the ALDH18A1 protein (p.Arg400Cys). This variant is present in population databases (no rsID available, gnomAD 0.003%). This variant has not been reported in the literature in individuals affected with ALDH18A1-related conditions. ClinVar contains an entry for this variant (Variation ID: 1514097). Invitae Evidence Modeling of protein sequence and biophysical properties (such as structural, functional, and spatial information, amino acid conservation, physicochemical variation, residue mobility, and thermodynamic stability) indicates that this missense variant is not expected to disrupt ALDH18A1 protein function with a negative predictive value of 95%. In summary, the available evidence is currently insufficient to determine the role of this variant in disease. Therefore, it has been classified as a Variant of Uncertain Significance.

Women's Health and Genetics/Laboratory Corporation of America, LabCorp
Classification: Uncertain significance. Last evaluated: 2024-12-04. Review status: criteria provided, single submitter. Criteria: LabCorp Variant Classification Summary - May 2015. Collection method: clinical testing. Allele origin: germline.
Comment: Variant summary: ALDH18A1 c.1198C>T (p.Arg400Cys) results in a non-conservative amino acid change located in the glutamate-5-semialdehyde dehydrogenase domain (IPR000965) of the encoded protein sequence. Four of five in-silico tools predict a damaging effect of the variant on protein function. The variant allele was found at a frequency of 1.6e-05 in 251454 control chromosomes. The available data on variant occurrences in the general population are insufficient to allow any conclusion about variant significance. To our knowledge, no occurrence of c.1198C>T in individuals affected with ALDH18A1-related conditions and no experimental evidence demonstrating its impact on protein function have been reported. ClinVar contains an entry for this variant (Variation ID: 1514097). Based on the evidence outlined above, the variant was classified as uncertain significance.

GeneDx
Classification: Uncertain significance. Last evaluated: 2024-10-17. Review status: criteria provided, single submitter. Criteria: GeneDx Variant Classification Process June 2021. Collection method: clinical testing. Allele origin: germline. Affected: yes.
Comment: Has not been previously published as pathogenic or benign to our knowledge; Not observed at significant frequency in large population cohorts (gnomAD); In silico analysis supports that this missense variant has a deleterious effect on protein structure/function